The following is an entry in ClinVar:

NM_194248.3(OTOF):c.5887C>A (p.Arg1963Ser)

Gene: OTOF (otoferlin; minus strand). Cytogenetic location: 2p23.3.
Variant type: single nucleotide variant.
Coding change: c.5887C>A on transcript NM_194248.3 (MANE Select); coding-DNA position 5887, C replaced by A.
Protein change: p.Arg1963Ser; replaces arginine 1963 with serine.
Molecular consequence: missense variant. On other transcripts: intron variant (2).
Genome position (GRCh38, 1-based): chr2:26,460,132, G>T on the plus strand (C>A on the coding strand, the complement: OTOF is on the minus strand). VCF-style: chr2-26460132-G-T. GRCh37 (hg19) VCF-style: chr2-26683000-G-T.
Other names: c.3586C>A, p.Arg1196Ser (NM_004802.4); c.3817C>A, p.Arg1273Ser (NM_194322.3); c.5813+515C>A (NM_001287489.2); c.3512+515C>A (NM_194323.3); short protein forms R1196S, R1273S, R1963S.
Identifiers: ClinVar variation 4995340 (VCV004995340.1).

ClinVar aggregate classification (germline): Uncertain significance (1 of 4 stars; one submission).

Conditions:
OTOF-related disorder. Also called: OTOF-related condition.

gnomAD v4.1: 7 of 1,599,228 alleles (0.00044%); highest among the groups gnomAD compares: African/African-American, 0.008%; no homozygotes.

Submission:

PreventionGenetics, part of Exact Sciences
Classification: Uncertain significance for OTOF-related condition. Last evaluated: 2026-09-15. Review status: criteria provided, single submitter. Criteria: ACMG Guidelines, 2015. Collection method: clinical testing. Allele origin: germline.
Comment: The OTOF c.5887C>A variant is predicted to result in the amino acid substitution p.Arg1963Ser. To our knowledge, this variant has not been reported in the literature. This variant is reported in 0.0088% of alleles in individuals of African descent in gnomAD. At this time, the clinical significance of this variant is uncertain due to the absence of conclusive functional and genetic evidence.